The following is an entry in ClinVar:

NM_001844.5(COL2A1):c.661del (p.Gln221fs)

Gene: COL2A1 (collagen type II alpha 1 chain; minus strand). Cytogenetic location: 12q13.11.
Variant type: Deletion.
Coding change: c.661del on transcript NM_001844.5 (MANE Select); coding-DNA position 661, one base deleted (C; older notation c.661delC).
Protein change: p.Gln221fs; shifts the reading frame from glutamine 221.
Molecular consequence: frameshift variant.
Genome position (GRCh38, 1-based): chr12:47,995,757, G deleted on the plus strand (C on the coding strand, the reverse complement: COL2A1 is on the minus strand). VCF-style (leftmost placement, unchanged base first): chr12-47995756-TG-T. GRCh37 (hg19) VCF-style: chr12-48389539-TG-T.
Other names: c.454del, p.Gln152fs (NM_033150.3); short protein forms Q152fs, Q221fs.
Identifiers: ClinVar variation 2006984 (VCV002006984.4), dbSNP rs2540174647, ClinGen allele CA2580085494.
Genomic context (GRCh38, chr12:47,995,756, plus strand): 5'-GTGCTGGTACTCACAGAGACACCAGGTTCACCAGGTTCACCAGGATTGCCTTGAAATCCT[TG>T]AGGCCCCTAAAAAGTAAAATGAGGATACCAGGTCAATCCCTATAAACTGCTAAAACATCA-3'

ClinVar aggregate classification (germline): Pathogenic (1 of 4 stars; one submission).

Submission:

Labcorp Genetics (formerly Invitae), Labcorp
Classification: Pathogenic. Last evaluated: 2022-06-15. Review status: criteria provided, single submitter. Criteria: Invitae Variant Classification Sherloc (09022015). Collection method: clinical testing. Allele origin: germline.
Comment: For these reasons, this variant has been classified as Pathogenic. This variant has not been reported in the literature in individuals affected with COL2A1-related conditions. This variant is not present in population databases (gnomAD no frequency). This sequence change creates a premature translational stop signal (p.Gln221Lysfs*87) in the COL2A1 gene. It is expected to result in an absent or disrupted protein product. Loss-of-function variants in COL2A1 are known to be pathogenic (PMID: 20179744).

Literature cited by the submitters: PubMed 20179744.